The following is an entry in ClinVar:

ClinVar aggregate classification (germline): Uncertain significance (1 of 4 stars; one submission).

Conditions:
Hereditary cancer-predisposing syndrome. Also called: Neoplastic Syndromes, Hereditary; Tumor predisposition; Hereditary Cancer Syndrome; Hereditary neoplastic syndrome. Identifiers: Orphanet 140162, MedGen C0027672, MeSH D009386, MONDO:0015356.

Submission:

Ambry Genetics
Classification: Uncertain significance for Hereditary cancer-predisposing syndrome. Last evaluated: 2021-08-05. Review status: criteria provided, single submitter. Criteria: Ambry Variant Classification Scheme 2023. Collection method: clinical testing. Allele origin: germline.
Comment: The p.D1170E variant (also known as c.3510T>A), located in coding exon 23 of the RAD50 gene, results from a T to A substitution at nucleotide position 3510. The aspartic acid at codon 1170 is replaced by glutamic acid, an amino acid with highly similar properties. This amino acid position is conserved. In addition, the in silico prediction for this alteration is inconclusive. Since supporting evidence is limited at this time, the clinical significance of this alteration remains unclear.

NM_005732.4(RAD50):c.3510T>A (p.Asp1170Glu)

Genes: RAD50 (RAD50 double strand break repair protein; plus strand), TH2-LCR (Th2 cytokine locus control region; plus strand), TH2LCRR (T helper type 2 locus control region associated RNA; minus strand). Cytogenetic location: 5q31.1.
Variant type: single nucleotide variant.
Coding change: c.3510T>A on transcript NM_005732.4 (MANE Select); coding-DNA position 3510, T replaced by A.
Protein change: p.Asp1170Glu; replaces aspartic acid 1170 with glutamic acid.
Molecular consequence: missense variant. On other transcripts: non-coding transcript variant (2).
Genome position (GRCh38, 1-based): chr5:132,638,115, T>A. VCF-style: chr5-132638115-T-A. GRCh37 (hg19) VCF-style: chr5-131973807-T-A.
Other names: short protein forms D1170E.
Identifiers: ClinVar variation 1732158 (VCV001732158.2), dbSNP rs2479427583, ClinGen allele CA360931279.